The following is an entry in ClinVar:

NM_001367561.1(DOCK7):c.4867A>G (p.Ile1623Val)

Gene: DOCK7 (dedicator of cytokinesis 7; minus strand). Cytogenetic location: 1p31.3.
Variant type: single nucleotide variant.
Coding change: c.4867A>G on transcript NM_001367561.1 (MANE Select); coding-DNA position 4867, A replaced by G.
Protein change: p.Ile1623Val; replaces isoleucine 1623 with valine.
Molecular consequence: missense variant.
Genome position (GRCh38, 1-based): chr1:62,496,395, T>C on the plus strand (A>G on the coding strand, the complement: DOCK7 is on the minus strand). VCF-style: chr1-62496395-T-C. GRCh37 (hg19) VCF-style: chr1-62962066-T-C.
Other names: p.Ile1614Val; c.4840A>G, p.Ile1614Val (NM_001271999.2, NM_001330614.2); c.4747A>G, p.Ile1583Val (NM_001272000.2, NM_001272001.2); c.4774A>G, p.Ile1592Val (NM_033407.4); short protein forms I1583V, I1592V, I1614V, I1623V.
Identifiers: ClinVar variation 863756 (VCV000863756.10), dbSNP rs200800312, ClinGen allele CA885598.
Genomic context (GRCh38, chr1:62,496,395, plus strand): 5'-TGACCTGATCAGGAAATGTTGTTTCCCTCAATTCCAGATCTTCTTCAGCATATGTCAATA[T>C]AGTCTTTAGAGAACGTCTTAAGAATTCTTCATTAAAATTCTGAGATGTGCCCACCAAGGA-3'
Protein context (NP_001354490.1, residues 1613-1633): EEFLRRSLKT[Ile1623Val]LTYAEEDLEL

ClinVar aggregate classification (germline): Uncertain significance. Review status: criteria provided, multiple submitters, no conflicts (2 of 4 stars). 4 submissions from 4 submitters: Uncertain significance (4). Last evaluated 2024-10-07.

Conditions:
Developmental and epileptic encephalopathy, 23 (DEE23). Also called: Epileptic encephalopathy, early infantile, 23. Identifiers: Orphanet 411986, MedGen C4014492, MONDO:0014371, OMIM 615859.

Allele frequency attached by ClinVar (database versions not stated): gnomAD exomes 0.00004 and 0.00008; ExAC 0.00005; TOPMed 0.00005; gnomAD 0.00006; ESP Exome Variant Server 0.00008.
gnomAD v4.1: 69 of 1,613,554 alleles (0.0043%); highest among the groups gnomAD compares: Admixed American, 0.0033%; no homozygotes.

Submissions (4):

Labcorp Genetics (formerly Invitae), Labcorp
Classification: Uncertain significance for Developmental and epileptic encephalopathy, 23. Last evaluated: 2024-10-07. Review status: criteria provided, single submitter. Criteria: Invitae Variant Classification Sherloc (09022015). Collection method: clinical testing. Allele origin: germline.
Comment: This sequence change replaces isoleucine, which is neutral and non-polar, with valine, which is neutral and non-polar, at codon 1614 of the DOCK7 protein (p.Ile1614Val). This variant is present in population databases (rs200800312, gnomAD 0.2%). This variant has not been reported in the literature in individuals affected with DOCK7-related conditions. ClinVar contains an entry for this variant (Variation ID: 863756). Invitae Evidence Modeling of protein sequence and biophysical properties (such as structural, functional, and spatial information, amino acid conservation, physicochemical variation, residue mobility, and thermodynamic stability) indicates that this missense variant is not expected to disrupt DOCK7 protein function with a negative predictive value of 80%. In summary, the available evidence is currently insufficient to determine the role of this variant in disease. Therefore, it has been classified as a Variant of Uncertain Significance.

Genome-Nilou Lab
Classification: Uncertain significance for Developmental and epileptic encephalopathy, 23. Last evaluated: 2023-04-11. Review status: criteria provided, single submitter. Criteria: ACMG Guidelines, 2015. Collection method: clinical testing. Allele origin: germline. Affected: no.

Mayo Clinic Laboratories, Mayo Clinic
Classification: Uncertain significance. Last evaluated: 2022-08-12. Review status: criteria provided, single submitter. Criteria: ACMG Guidelines, 2015. Collection method: clinical testing. Allele origin: germline. Observed: 1 variant allele.
Comment: BP4

Center for Genomics, Ann and Robert H. Lurie Children's Hospital of Chicago
Classification: Uncertain significance for Developmental and epileptic encephalopathy, 23. Last evaluated: 2021-11-11. Review status: criteria provided, single submitter. Criteria: ACMG Guidelines, 2015. Collection method: clinical testing. Allele origin: germline.
Comment: This variant has not been reported in the literature but is present in 0.2% (17/10078) of Ashkenazi Jewish alleles in the Genome Aggregation Database. This variant is present in ClinVar (Variation ID:863756). Evolutionary conservation and computational predictive tools for this variant are unclear. In summary, data on this variant is insufficient for disease classification. Therefore, the clinical significance of this variant is uncertain.